The following is an entry in ClinVar:

ClinVar aggregate classification (germline): Pathogenic. Review status: criteria provided, multiple submitters, no conflicts (2 of 4 stars). 2 submissions from 2 submitters: Pathogenic (2). Last evaluated 2022-05-12.

Conditions:
Multiple endocrine neoplasia, type 1 (MEN1). Also called: Endocrine adenomatosis multiple; MEN 1; MEN I; WERMER SYNDROME; MEA I. Identifiers: Orphanet 652, MedGen C0025267, MeSH D018761, MONDO:0007540, OMIM 131100.

Submissions (2):

GeneDx
Classification: Pathogenic. Last evaluated: 2022-05-12. Review status: criteria provided, single submitter. Criteria: GeneDx Variant Classification Process June 2021. Collection method: clinical testing. Allele origin: germline. Affected: yes.
Comment: Nonsense variant predicted to result in protein truncation or nonsense mediated decay in a gene for which loss-of-function is a known mechanism of disease; Not observed at significant frequency in large population cohorts (gnomAD); Also known as c.984C>G; p.(Y328*); This variant is associated with the following publications: (PMID: 25525159, 9215689, 9540988, 12791038, 15464422, 12807514)

Labcorp Genetics (formerly Invitae), Labcorp
Classification: Pathogenic for Multiple endocrine neoplasia, type 1. Last evaluated: 2019-06-29. Review status: criteria provided, single submitter. Criteria: Invitae Variant Classification Sherloc (09022015). Collection method: clinical testing. Allele origin: germline.
Comment: For these reasons, this variant has been classified as Pathogenic. Loss-of-function variants in MEN1 are known to be pathogenic (PMID: 12112656, 17853334). A different variant (c.969C>A) giving rise to the same protein effect observed here (p.Tyr323*) has been reported in individuals affected with multiple endocrine neoplasia (PMID: 12791038, 22026581, 25309785). This variant has been reported in individuals affected with multiple endocrine neoplasia type 1 (PMID: 9215689). ClinVar contains an entry for this variant (Variation ID: 449058). This variant is not present in population databases (ExAC no frequency). This sequence change creates a premature translational stop signal (p.Tyr323*) in the MEN1 gene. It is expected to result in an absent or disrupted protein product.

Literature cited by the submitters: PubMed 12112656 (cited by Labcorp Genetics (formerly Invitae), Labcorp); PubMed 17853334 (cited by Labcorp Genetics (formerly Invitae), Labcorp); PubMed 12791038 (cited by Labcorp Genetics (formerly Invitae), Labcorp); PubMed 22026581 (cited by Labcorp Genetics (formerly Invitae), Labcorp); PubMed 25309785 (cited by Labcorp Genetics (formerly Invitae), Labcorp); PubMed 9215689 (cited by Labcorp Genetics (formerly Invitae), Labcorp).

NM_001370259.2(MEN1):c.969C>G (p.Tyr323Ter)

Gene: MEN1 (menin 1; minus strand). Cytogenetic location: 11q13.1.
Variant type: single nucleotide variant.
Coding change: c.969C>G on transcript NM_001370259.2 (MANE Select); coding-DNA position 969, C replaced by G.
Protein change: p.Tyr323Ter; replaces tyrosine 323 with a stop codon.
Molecular consequence: nonsense.
Genome position (GRCh38, 1-based): chr11:64,806,312, G>C on the plus strand (C>G on the coding strand, the complement: MEN1 is on the minus strand). VCF-style: chr11-64806312-G-C. GRCh37 (hg19) VCF-style: chr11-64573784-G-C.
Other names: c.864C>G, p.Tyr288Ter (NM_001370262.2, NM_001370263.2); c.969C>G, p.Tyr323Ter (NM_130799.3, NM_001370251.2, NM_001370260.2 and 1 more transcripts); c.984C>G, p.Tyr328Ter (NM_130800.3, NM_130801.3, NM_130802.3 and 3 more transcripts); short protein forms Y323*, Y328*, Y288*.
Identifiers: ClinVar variation 449058 (VCV000449058.15), dbSNP rs750904332, ClinGen allele CA381183338.